The following is an entry in ClinVar:

ClinVar aggregate classification (germline): Pathogenic (1 of 4 stars; one submission).

Conditions:
Dystonic disorder. Also called: Dystonia. Identifiers: MedGen C0013421, MONDO:0003441, HP:0001332.

Submission:

Labcorp Genetics (formerly Invitae), Labcorp
Classification: Pathogenic for Dystonic disorder. Last evaluated: 2023-08-17. Review status: criteria provided, single submitter. Criteria: Invitae Variant Classification Sherloc (09022015). Collection method: clinical testing. Allele origin: germline.
Comment: This sequence change replaces valine, which is neutral and non-polar, with methionine, which is neutral and non-polar, at codon 146 of the GNAL protein (p.Val146Met). This variant is not present in population databases (gnomAD no frequency). This missense change has been observed in individuals with dystonia (PMID: 24151159, 31731261; Invitae). This variant is also known as c.667G>A (p.Val223Met). ClinVar contains an entry for this variant (Variation ID: 2138127). Advanced modeling of protein sequence and biophysical properties (such as structural, functional, and spatial information, amino acid conservation, physicochemical variation, residue mobility, and thermodynamic stability) has been performed at Invitae for this missense variant, however the output from this modeling did not meet the statistical confidence thresholds required to predict the impact of this variant on GNAL protein function. For these reasons, this variant has been classified as Pathogenic.

Literature cited by the submitters: PubMed 24151159; PubMed 31731261.

NM_182978.4(GNAL):c.667G>A (p.Val223Met)

Gene: GNAL (G protein subunit alpha L; plus strand). Cytogenetic location: 18p11.21.
Variant type: single nucleotide variant.
Coding change: c.667G>A on transcript NM_182978.4 (MANE Select); coding-DNA position 667, G replaced by A.
Protein change: p.Val223Met; replaces valine 223 with methionine.
Molecular consequence: missense variant.
Genome position (GRCh38, 1-based): chr18:11,824,960, G>A. VCF-style: chr18-11824960-G-A. GRCh37 (hg19) VCF-style: chr18-11824959-G-A.
Other names: c.436G>A, p.Val146Met (NM_001142339.3, NM_001261443.2, NM_001369387.1); short protein forms V146M, V223M.
Identifiers: ClinVar variation 2138127 (VCV002138127.4), dbSNP rs2510353223, ClinGen allele CA401927984.